The following is an entry in ClinVar:

ClinVar aggregate classification (germline): Pathogenic (1 of 4 stars; one submission).

Submission:

ARUP Laboratories, Molecular Genetics and Genomics, ARUP Laboratories
Classification: Pathogenic. Last evaluated: 2017-05-02. Review status: criteria provided, single submitter. Criteria: ARUP Molecular Germline Variant Investigation Process. Collection method: clinical testing. Allele origin: germline.
Comment: The p.Gln2842Ter variant has not been reported in the medical literature, is not listed in gene-specific variant databases, nor has it been previously identified in our laboratory. It is also absent from population databases such as 1000 Genomes, the NHLBI GO Exome Sequencing Project (ESP), and the Genome Aggregation Database (gnomAD) browser. This variant is introduces a premature termination codon into exon 57, and is expected to result in a truncated or absent protein product. Additionally, other nonsense variants located in exon 57 have been reported in patients included in different muscular dystrophy cohorts (selected reference, Flanigan 2009). Thus, based on the available information, the p.Gln2842Ter variant satisfies our criteria for classification as pathogenic.

NM_004006.3(DMD):c.8524C>T (p.Gln2842Ter)

Gene: DMD (dystrophin; minus strand). Cytogenetic location: Xp21.2.
Variant type: single nucleotide variant.
Coding change: c.8524C>T on transcript NM_004006.3 (MANE Select); coding-DNA position 8524, C replaced by T.
Protein change: p.Gln2842Ter; replaces glutamine 2842 with a stop codon.
Molecular consequence: nonsense.
Genome position (GRCh38, 1-based): chrX:31,496,811, G>A on the plus strand (C>T on the coding strand, the complement: DMD is on the minus strand). VCF-style: chrX-31496811-G-A. GRCh37 (hg19) VCF-style: chrX-31514928-G-A.
Other names: c.8500C>T, p.Gln2834Ter (NM_000109.4); c.8512C>T, p.Gln2838Ter (NM_004009.3); c.8155C>T, p.Gln2719Ter (NM_004010.3); c.1144C>T, p.Gln382Ter (NM_004021.3, NM_004022.3, NM_004023.3 and 2 more transcripts); c.4501C>T, p.Gln1501Ter (NM_004011.4); c.337C>T, p.Gln113Ter (NM_004014.3); c.4492C>T, p.Gln1498Ter (NM_004012.4); short protein forms Q2842*, Q113*, Q1501*, Q2719*, Q1498*, Q2834*, Q2838*, Q382*.
Identifiers: ClinVar variation 618063 (VCV000618063.8), dbSNP rs1569547229, ClinGen allele CA412655405.